The following is an entry in ClinVar:

NM_001363711.2(DUOX2):c.3516_3531del

Gene: DUOX2 (dual oxidase 2; minus strand). Cytogenetic location: 15q21.1.
Variant type: Deletion.
Coding change: c.3516_3531del on transcript NM_001363711.2 (MANE Select); coding-DNA positions 3516 to 3531, 16 bases deleted (GTCCAAGCTTCCCCAG).
Molecular consequence: splice acceptor variant.
Genome position (GRCh38, 1-based): chr15:45,098,043-45,098,058, CTGGGGAAGCTTGGAC deleted on the plus strand (GTCCAAGCTTCCCCAG on the coding strand, the reverse complement: DUOX2 is on the minus strand); deleting any 16 consecutive bases within chr15:45,098,043-45,098,064 gives the same sequence; the c. name uses the placement nearest the transcript's 3' end. VCF-style (leftmost placement, unchanged base first): chr15-45098042-TCTGGGGAAGCTTGGAC-T. GRCh37 (hg19) VCF-style: chr15-45390240-TCTGGGGAAGCTTGGAC-T.
Identifiers: ClinVar variation 2736201 (VCV002736201.8), ClinGen allele CA7537831.

ClinVar aggregate classification (germline): Pathogenic. Review status: criteria provided, multiple submitters, no conflicts (2 of 4 stars). 2 submissions from 2 submitters: Pathogenic (2). Last evaluated 2026-01-15.

Conditions:
Thyroid dyshormonogenesis 6 (TDH6). Also called: Genetic transient congenital hypothyroidism; THYROID HORMONOGENESIS, GENETIC DEFECT IN, 6; HYPOTHYROIDISM, CONGENITAL, DUE TO DYSHORMONOGENESIS, 6. Identifiers: Orphanet 226316, Orphanet 95716, MedGen C1846632, MONDO:0011792, OMIM 607200.

Submissions (2):

Labcorp Genetics (formerly Invitae), Labcorp
Classification: Pathogenic. Last evaluated: 2026-01-15. Review status: criteria provided, single submitter. Criteria: Invitae Variant Classification Sherloc (09022015). Collection method: clinical testing. Allele origin: germline.
Comment: This sequence change creates a premature translational stop signal (p.Lys1174Serfs*12) in the DUOX2 gene. It is expected to result in an absent or disrupted protein product. Loss-of-function variants in DUOX2 are known to be pathogenic (PMID: 12110737, 18765513, 21565790, 24423310, 24735383). This variant is present in population databases (rs778652423, gnomAD 0.01%). This premature translational stop signal has been observed in individual(s) with DUOX2-related conditions (PMID: 27557340, 33490161). This variant is also known as p.G1172 = fsX13. ClinVar contains an entry for this variant (Variation ID: 2736201). For these reasons, this variant has been classified as Pathogenic.

Juno Genomics, Hangzhou Juno Genomics, Inc
Classification: Pathogenic for Thyroid dyshormonogenesis 6. Review status: criteria provided, single submitter. Criteria: ACMG Guidelines, 2015. Collection method: clinical testing. Allele origin: germline.
Comment: Absent from controls (or at extremely low frequency if recessive) in Genome Aggregation Database.;Null variant in a gene where loss of function (LOF) is a known mechanism of disease.;For recessive disorders, detected in trans with a pathogenic variant.

Literature cited by the submitters: PubMed 12110737 (cited by Labcorp Genetics (formerly Invitae), Labcorp); PubMed 18765513 (cited by Labcorp Genetics (formerly Invitae), Labcorp); PubMed 21565790 (cited by Labcorp Genetics (formerly Invitae), Labcorp); PubMed 24423310 (cited by Labcorp Genetics (formerly Invitae), Labcorp); PubMed 24735383 (cited by Labcorp Genetics (formerly Invitae), Labcorp); PubMed 27557340 (cited by Labcorp Genetics (formerly Invitae), Labcorp); PubMed 33490161 (cited by Labcorp Genetics (formerly Invitae), Labcorp).